The following is an entry in ClinVar:

NM_032447.5(FBN3):c.3547C>T (p.Gln1183Ter)

Gene: FBN3 (fibrillin 3; minus strand). Cytogenetic location: 19p13.2.
Variant type: single nucleotide variant.
Coding change: c.3547C>T on transcript NM_032447.5 (MANE Select); coding-DNA position 3547, C replaced by T.
Protein change: p.Gln1183Ter; replaces glutamine 1183 with a stop codon.
Molecular consequence: nonsense.
Genome position (GRCh38, 1-based): chr19:8,117,208, G>A on the plus strand (C>T on the coding strand, the complement: FBN3 is on the minus strand). VCF-style: chr19-8117208-G-A. GRCh37 (hg19) VCF-style: chr19-8182092-G-A.
Other names: c.3547C>T, p.Gln1183Ter (NM_001321431.2); short protein forms Q1183*.
Identifiers: ClinVar variation 3651838 (VCV003651838.2).
Genomic context (GRCh38, chr19:8,117,208, plus strand): 5'-GAAGAAGTTGTGCCCACCTACCTGCACATGCCCTTCCGTCGGGCATCAGCGAGTAGCCCT[G>A]CCCACAGCTGCACCGGTAGCTGCCCTCAGTGTTAATACAGTGCACGTCACACCCACCATT-3'

ClinVar aggregate classification (germline): Uncertain significance (1 of 4 stars; one submission).

Submission:

Labcorp Genetics (formerly Invitae), Labcorp
Classification: Uncertain significance. Last evaluated: 2024-05-09. Review status: criteria provided, single submitter. Criteria: Invitae Variant Classification Sherloc (09022015). Collection method: clinical testing. Allele origin: germline.
Comment: This sequence change creates a premature translational stop signal (p.Gln1183*) in the FBN3 gene. It is expected to result in an absent or disrupted protein product. However, the current clinical and genetic evidence is not sufficient to establish whether loss-of-function variants in FBN3 cause disease. This variant is not present in population databases (gnomAD no frequency). This variant has not been reported in the literature in individuals affected with FBN3-related conditions. Algorithms developed to predict the effect of sequence changes on RNA splicing suggest that this variant may disrupt the consensus splice site. In summary, the available evidence is currently insufficient to determine the role of this variant in disease. Therefore, it has been classified as a Variant of Uncertain Significance.